The following is an entry in ClinVar:

NM_001360.3(DHCR7):c.832-1G>T

Gene: DHCR7 (7-dehydrocholesterol reductase; minus strand). Cytogenetic location: 11q13.4.
Variant type: single nucleotide variant.
Coding change: c.832-1G>T on transcript NM_001360.3 (MANE Select); the canonical splice acceptor site of the intron before coding-DNA position 832, G replaced by T.
Molecular consequence: splice acceptor variant.
Genome position (GRCh38, 1-based): chr11:71,437,944, C>A on the plus strand (G>T on the coding strand, the complement: DHCR7 is on the minus strand). VCF-style: chr11-71437944-C-A. GRCh37 (hg19) VCF-style: chr11-71148990-C-A.
Other names: c.832-1G>T (NM_001425120.1, NM_001425109.1, NM_001163817.2 and 6 more transcripts); c.736-1G>T (NM_001425114.1, NM_001425116.1); c.772-1G>T (NM_001425113.1); c.883-1G>T (NM_001425107.1); c.868-1G>T (NM_001425108.1); c.658-1G>T (NM_001425117.1).
Identifiers: ClinVar variation 4814839 (VCV004814839.1).

ClinVar aggregate classification (germline): Likely pathogenic (1 of 4 stars; one submission).

Conditions:
Smith-Lemli-Opitz syndrome (SLOS). Also called: LETHAL ACRODYSGENITAL SYNDROME; POLYDACTYLY, SEX REVERSAL, RENAL HYPOPLASIA, AND UNILOBAR LUNG; RSH SYNDROME; RUTLEDGE LETHAL MULTIPLE CONGENITAL ANOMALY SYNDROME; 7-Dehydrocholesterol reductase deficiency. Identifiers: Orphanet 818, MedGen C0175694, MONDO:0010035, OMIM 270400.

gnomAD v4.1: 2 of 1,613,022 alleles (0.00012%); highest among the groups gnomAD compares: Non-Finnish European, 0.00017%; no homozygotes.

Submission:

Natera, Inc.
Classification: Likely pathogenic for Smith-Lemli-Opitz syndrome. Last evaluated: 2025-07-21. Review status: criteria provided, single submitter. Criteria: Natera Variant Classification Schema (03/2026). Collection method: clinical testing. Allele origin: germline.
Comment: The c.832-1G>T variant in DHCR7 is a canonical splice acceptor site variant predicted to affect pre-mRNA splicing, which may result in an abnormal transcript and altered protein product. This variant is expected to result in nonsense mediated decay, truncation, or a dysfunctional protein product. This variant is rare in the general population with a frequency below the threshold expected for the associated phenotype(s). Given the available evidence, this variant is classified as Likely Pathogenic.